The following is an entry in ClinVar:

ClinVar aggregate classification (germline): Benign (1 of 4 stars; one submission).

Allele frequency attached by ClinVar (database versions not stated): gnomAD 0.03264 and 0.03505; 1000 Genomes Project 0.03554; TOPMed 0.03697; 1000 Genomes Project 30x 0.03795.
gnomAD v4.1: 4,914 of 152,300 alleles (3.2%); highest among the groups gnomAD compares: African/African-American, 11%; 246 homozygotes.

Submission:

GeneDx
Classification: Benign. Last evaluated: 2018-06-14. Review status: criteria provided, single submitter. Criteria: GeneDx Variant Classification (06012015). Collection method: clinical testing. Allele origin: germline. Affected: yes.
Comment: This variant is considered likely benign or benign based on one or more of the following criteria: it is a conservative change, it occurs at a poorly conserved position in the protein, it is predicted to be benign by multiple in silico algorithms, and/or has population frequency not consistent with disease.

NM_004092.4(ECHS1):c.739+264A>C

Gene: ECHS1 (enoyl-CoA hydratase, short chain 1; minus strand). Cytogenetic location: 10q26.3.
Variant type: single nucleotide variant.
Coding change: c.739+264A>C on transcript NM_004092.4 (MANE Select); 264 bases into the intron after coding-DNA position 739, A replaced by C.
Molecular consequence: intron variant.
Genome position (GRCh38, 1-based): chr10:133,365,712, T>G on the plus strand (A>C on the coding strand, the complement: ECHS1 is on the minus strand). VCF-style: chr10-133365712-T-G. GRCh37 (hg19) VCF-style: chr10-135179216-T-G.
Identifiers: ClinVar variation 673161 (VCV000673161.1), dbSNP rs74164163, ClinGen allele CA216815335.